The following is an entry in ClinVar:

NM_001253697.2(ERBIN):c.1067A>G (p.Lys356Arg)

Gene: ERBIN (erbb2 interacting protein; plus strand). Cytogenetic location: 5q12.3.
Variant type: single nucleotide variant.
Coding change: c.1067A>G on transcript NM_001253697.2 (MANE Select); coding-DNA position 1067, A replaced by G.
Protein change: p.Lys356Arg; replaces lysine 356 with arginine.
Molecular consequence: missense variant.
Genome position (GRCh38, 1-based): chr5:66,026,348, A>G. VCF-style: chr5-66026348-A-G. GRCh37 (hg19) VCF-style: chr5-65322176-A-G.
Other names: c.1067A>G, p.Lys356Arg (NM_001006600.3, NM_001253698.2, NM_001253699.2 and 2 more transcripts); short protein forms K356R.
Identifiers: ClinVar variation 1935449 (VCV001935449.5), dbSNP rs2546722121, ClinGen allele CA359975572.

ClinVar aggregate classification (germline): Uncertain significance (1 of 4 stars; one submission).

Submission:

Labcorp Genetics (formerly Invitae), Labcorp
Classification: Uncertain significance. Last evaluated: 2022-03-01. Review status: criteria provided, single submitter. Criteria: Invitae Variant Classification Sherloc (09022015). Collection method: clinical testing. Allele origin: germline.
Comment: In summary, the available evidence is currently insufficient to determine the role of this variant in disease. Therefore, it has been classified as a Variant of Uncertain Significance. Algorithms developed to predict the effect of sequence changes on RNA splicing suggest that this variant may create or strengthen a splice site. Algorithms developed to predict the effect of missense changes on protein structure and function are either unavailable or do not agree on the potential impact of this missense change (SIFT: "Deleterious"; PolyPhen-2: "Probably Damaging"; Align-GVGD: "Class C0"). This variant has not been reported in the literature in individuals affected with ERBIN-related conditions. This variant is not present in population databases (gnomAD no frequency). This sequence change replaces lysine, which is basic and polar, with arginine, which is basic and polar, at codon 356 of the ERBIN protein (p.Lys356Arg).